The following is an entry in ClinVar:

NM_181882.3(PRX):c.730G>A (p.Ala244Thr)

Gene: PRX (periaxin; minus strand). Cytogenetic location: 19q13.2.
Variant type: single nucleotide variant.
Coding change: c.730G>A on transcript NM_181882.3 (MANE Select); coding-DNA position 730, G replaced by A.
Protein change: p.Ala244Thr; replaces alanine 244 with threonine.
Molecular consequence: missense variant. On other transcripts: 3 prime UTR variant (1).
Genome position (GRCh38, 1-based): chr19:40,397,622, C>T on the plus strand (G>A on the coding strand, the complement: PRX is on the minus strand). VCF-style: chr19-40397622-C-T. GRCh37 (hg19) VCF-style: chr19-40903529-C-T.
Other names: c.*935G>A (NM_020956.2); short protein forms A244T.
Identifiers: ClinVar variation 641096 (VCV000641096.8), dbSNP rs771211272, ClinGen allele CA405899802.
Genomic context (GRCh38, chr19:40,397,622, plus strand): 5'-CAGCTGCCTCTGCTGAGGGGGCAGCCTTGGGGGCTGAGACCTGGGGGACACCCACCTCCG[C>T]CCCTGGCAGCCGCGGCCCAACCAGCTCCACCTGAGGGGCTGTGAAACGAGCTCCTGCAGC-3'
Protein context (NP_870998.2, residues 234-254): VELVGPRLPG[Ala244Thr]EVGVPQVSAP

ClinVar aggregate classification (germline): Uncertain significance (1 of 4 stars; one submission).

Conditions:
Charcot-Marie-Tooth disease type 4. Also called: Charcot-Marie-Tooth disease, type IV; Charcot-Marie-Tooth, Type 4. Identifiers: Orphanet 64749, MedGen C4082197, MONDO:0018995.

Allele frequency attached by ClinVar (database versions not stated): TOPMed below 0.00001.

Submission:

Labcorp Genetics (formerly Invitae), Labcorp
Classification: Uncertain significance for Charcot-Marie-Tooth disease type 4. Last evaluated: 2024-03-14. Review status: criteria provided, single submitter. Criteria: Invitae Variant Classification Sherloc (09022015). Collection method: clinical testing. Allele origin: germline.
Comment: This sequence change replaces alanine, which is neutral and non-polar, with threonine, which is neutral and polar, at codon 244 of the PRX protein (p.Ala244Thr). This variant is not present in population databases (gnomAD no frequency). This variant has not been reported in the literature in individuals affected with PRX-related conditions. ClinVar contains an entry for this variant (Variation ID: 641096). Algorithms developed to predict the effect of missense changes on protein structure and function output the following: SIFT: "Not Available"; PolyPhen-2: "Possibly Damaging"; Align-GVGD: "Not Available". The threonine amino acid residue is found in multiple mammalian species, which suggests that this missense change does not adversely affect protein function. In summary, the available evidence is currently insufficient to determine the role of this variant in disease. Therefore, it has been classified as a Variant of Uncertain Significance.